The following is an entry in ClinVar:

NM_004523.4(KIF11):c.338_339del (p.Phe113fs)

Gene: KIF11 (kinesin family member 11; plus strand). Cytogenetic location: 10q23.33.
Variant type: Deletion.
Coding change: c.338_339del on transcript NM_004523.4 (MANE Select); coding-DNA positions 338 to 339, 2 bases deleted (TT; older notation c.338_339delTT).
Protein change: p.Phe113fs; shifts the reading frame from phenylalanine 113.
Molecular consequence: frameshift variant.
Genome position (GRCh38, 1-based): chr10:92,607,188-92,607,189, TT deleted; deleting any 2 consecutive bases within chr10:92,607,186-92,607,189 gives the same sequence; the c. name uses the placement nearest the transcript's 3' end. VCF-style (leftmost placement, unchanged base first): chr10-92607185-CTT-C. GRCh37 (hg19) VCF-style: chr10-94366942-CTT-C.
Other names: short protein forms F113fs.
Identifiers: ClinVar variation 1459199 (VCV001459199.6), dbSNP rs2135901128, ClinGen allele CA2573145825.

ClinVar aggregate classification (germline): Pathogenic (1 of 4 stars; one submission).

Submission:

Labcorp Genetics (formerly Invitae), Labcorp
Classification: Pathogenic. Last evaluated: 2022-08-16. Review status: criteria provided, single submitter. Criteria: Invitae Variant Classification Sherloc (09022015). Collection method: clinical testing. Allele origin: germline.
Comment: For these reasons, this variant has been classified as Pathogenic. ClinVar contains an entry for this variant (Variation ID: 1459199). This variant has not been reported in the literature in individuals affected with KIF11-related conditions. This variant is not present in population databases (gnomAD no frequency). This sequence change creates a premature translational stop signal (p.Phe113Tyrfs*5) in the KIF11 gene. It is expected to result in an absent or disrupted protein product. Loss-of-function variants in KIF11 are known to be pathogenic (PMID: 22284827, 24281367).

Literature cited by the submitters: PubMed 22284827; PubMed 24281367.